The following is an entry in ClinVar:

NM_001142800.2(EYS):c.8041C>G (p.Leu2681Val)

Gene: EYS (eyes shut homolog; minus strand). Cytogenetic location: 6q12.
Variant type: single nucleotide variant.
Coding change: c.8041C>G on transcript NM_001142800.2 (MANE Select); coding-DNA position 8041, C replaced by G.
Protein change: p.Leu2681Val; replaces leucine 2681 with valine.
Molecular consequence: missense variant.
Genome position (GRCh38, 1-based): chr6:63,762,491, G>C on the plus strand (C>G on the coding strand, the complement: EYS is on the minus strand). VCF-style: chr6-63762491-G-C. GRCh37 (hg19) VCF-style: chr6-64472384-G-C.
Other names: c.8041C>G, p.Leu2681Val (NM_001292009.2); short protein forms L2681V.
Identifiers: ClinVar variation 1497107 (VCV001497107.5), dbSNP rs1769668244, ClinGen allele CA364390059.

ClinVar aggregate classification (germline): Uncertain significance (1 of 4 stars; one submission).

Submission:

Labcorp Genetics (formerly Invitae), Labcorp
Classification: Uncertain significance. Last evaluated: 2022-07-05. Review status: criteria provided, single submitter. Criteria: Invitae Variant Classification Sherloc (09022015). Collection method: clinical testing. Allele origin: germline.
Comment: This sequence change replaces leucine, which is neutral and non-polar, with valine, which is neutral and non-polar, at codon 2681 of the EYS protein (p.Leu2681Val). This variant is not present in population databases (gnomAD no frequency). This variant has not been reported in the literature in individuals affected with EYS-related conditions. ClinVar contains an entry for this variant (Variation ID: 1497107). Algorithms developed to predict the effect of missense changes on protein structure and function are either unavailable or do not agree on the potential impact of this missense change (SIFT: "Deleterious"; PolyPhen-2: "Possibly Damaging"; Align-GVGD: "Class C0"). In summary, the available evidence is currently insufficient to determine the role of this variant in disease. Therefore, it has been classified as a Variant of Uncertain Significance.